The following is an entry in ClinVar:

ClinVar aggregate classification (germline): Uncertain significance. Review status: criteria provided, multiple submitters, no conflicts (2 of 4 stars). 2 submissions from 2 submitters: Uncertain significance (2). Last evaluated 2025-06-09.

Conditions:
Malignant hyperthermia, susceptibility to, 1 (MHS1). Also called: Malignant hyperthermia suceptibility 1; Anesthesia related hyperthermia; Malignant hyperpyrexia; Fulminating hyperpyrexia; Pharmacogenic myopathy; RYR1-Related Malignant Hyperthermia Susceptibility. Identifiers: Orphanet 423, MedGen C2930980, MONDO:0007783, OMIM 145600.
RYR1-related disorder. Also called: RYR1-related condition; RYR1-related disorders. Identifiers: MedGen CN239331.

Allele frequency attached by ClinVar (database versions not stated): ExAC 0.00001; TOPMed 0.00001; gnomAD 0.00003.
gnomAD v4.1: 28 of 1,613,710 alleles (0.0017%); highest among the groups gnomAD compares: Non-Finnish European, 0.0023%; no homozygotes.

Submissions (2):

Color Diagnostics, LLC DBA Color Health
Classification: Uncertain significance for Malignant hyperthermia, susceptibility to, 1. Last evaluated: 2025-06-09. Review status: criteria provided, single submitter. Criteria: ACMG Guidelines, 2015. Collection method: clinical testing. Allele origin: germline.
Comment: This variant causes a C to A nucleotide substitution at the +4 position of intron 32 of the RYR1 gene. To our knowledge, functional studies have not been reported for this variant. This variant has not been reported in individuals affected with RYR1-related disorders in the literature. This variant has been identified in 4/282806 chromosomes in the general population by the Genome Aggregation Database (gnomAD). The available evidence is insufficient to determine the role of this variant in disease conclusively. Therefore, this variant is classified as a Variant of Uncertain Significance.

Labcorp Genetics (formerly Invitae), Labcorp
Classification: Uncertain significance for RYR1-related disorder. Last evaluated: 2023-11-24. Review status: criteria provided, single submitter. Criteria: Invitae Variant Classification Sherloc (09022015). Collection method: clinical testing. Allele origin: germline.
Comment: This sequence change falls in intron 32 of the RYR1 gene. It does not directly change the encoded amino acid sequence of the RYR1 protein. It affects a nucleotide within the consensus splice site. This variant is present in population databases (rs779492655, gnomAD 0.004%). This variant has not been reported in the literature in individuals affected with RYR1-related conditions. Variants that disrupt the consensus splice site are a relatively common cause of aberrant splicing (PMID: 17576681, 9536098). Algorithms developed to predict the effect of sequence changes on RNA splicing suggest that this variant is not likely to affect RNA splicing. In summary, the available evidence is currently insufficient to determine the role of this variant in disease. Therefore, it has been classified as a Variant of Uncertain Significance.

Literature cited by the submitters: PubMed 17576681 (cited by Labcorp Genetics (formerly Invitae), Labcorp); PubMed 9536098 (cited by Labcorp Genetics (formerly Invitae), Labcorp).

NM_000540.3(RYR1):c.4707+4C>A

Gene: RYR1 (ryanodine receptor 1; plus strand). Cytogenetic location: 19q13.2.
Variant type: single nucleotide variant.
Coding change: c.4707+4C>A on transcript NM_000540.3 (MANE Select); 4 bases into the intron after coding-DNA position 4707, C replaced by A.
Molecular consequence: intron variant.
Genome position (GRCh38, 1-based): chr19:38,483,117, C>A. VCF-style: chr19-38483117-C-A. GRCh37 (hg19) VCF-style: chr19-38973757-C-A.
Other names: c.4707+4C>A (NM_001042723.2).
Identifiers: ClinVar variation 2712362 (VCV002712362.4), dbSNP rs779492655, ClinGen allele CA066383.
Genomic context (GRCh38, chr19:38,483,117, plus strand): 5'-GTCTTCGTCCTGCCCACCCACCAGAACGTCATCCAGTTTGAGCTGGGGAAGCAGAAGGTA[C>A]AAGTGCAGTGATGGGGGCACTAATGGGGCCAGGCTGAGGCAGGAGATGTGGGGAGGCCAG-3'